The following is an entry in ClinVar:

NM_001256071.3(RNF213):c.5383G>A (p.Asp1795Asn)

Gene: RNF213 (ring finger protein 213; plus strand). Cytogenetic location: 17q25.3.
Variant type: single nucleotide variant.
Coding change: c.5383G>A on transcript NM_001256071.3 (MANE Select); coding-DNA position 5383, G replaced by A.
Protein change: p.Asp1795Asn; replaces aspartic acid 1795 with asparagine.
Molecular consequence: missense variant.
Genome position (GRCh38, 1-based): chr17:80,339,750, G>A. VCF-style: chr17-80339750-G-A. GRCh37 (hg19) VCF-style: chr17-78313550-G-A.
Other names: p.Asp1795Asn; c.5530G>A, p.Asp1844Asn (NM_001410195.1, NM_020914.5); short protein forms D1795N, D1844N.
Identifiers: ClinVar variation 3380528 (VCV003380528.3).

ClinVar aggregate classification (germline): Conflicting classifications of pathogenicity. Review status: criteria provided, conflicting classifications (1 of 4 stars). 2 submissions from 2 submitters: Uncertain significance (1); Likely benign (1). Last evaluated 2024-09-14.

Submissions (2):

Labcorp Genetics (formerly Invitae), Labcorp
Classification: Likely benign. Last evaluated: 2024-09-14. Review status: criteria provided, single submitter. Criteria: Invitae Variant Classification Sherloc (09022015). Collection method: clinical testing. Allele origin: germline.

Mayo Clinic Laboratories, Mayo Clinic
Classification: Uncertain significance. Last evaluated: 2024-07-24. Review status: criteria provided, single submitter. Criteria: ACMG Guidelines, 2015. Collection method: clinical testing. Allele origin: germline. Observed: 1 variant allele.
Comment: BP4